The following is an entry in ClinVar:

ClinVar aggregate classification (germline): Uncertain significance. Review status: criteria provided, multiple submitters, no conflicts (2 of 4 stars). 2 submissions from 2 submitters: Uncertain significance (2). Last evaluated 2026-02-09.

Conditions:
Hereditary cancer-predisposing syndrome. Also called: Neoplastic Syndromes, Hereditary; Hereditary neoplastic syndrome; Tumor predisposition; Hereditary Cancer Syndrome. Identifiers: Orphanet 140162, MedGen C0027672, MeSH D009386, MONDO:0015356.
Tuberous sclerosis 2 (TSC2). Identifiers: Orphanet 805, MedGen C1860707, MONDO:0013199, OMIM 613254.

Submissions (2):

Ambry Genetics
Classification: Uncertain significance for Hereditary cancer-predisposing syndrome. Last evaluated: 2026-02-09. Review status: criteria provided, single submitter. Criteria: Ambry Variant Classification Scheme 2023. Collection method: clinical testing. Allele origin: germline.
Comment: The p.T70S variant (also known as c.209C>G), located in coding exon 2 of the TSC2 gene, results from a C to G substitution at nucleotide position 209. The threonine at codon 70 is replaced by serine, an amino acid with similar properties. This amino acid position is well conserved in available vertebrate species. In addition, the in silico prediction for this alteration is inconclusive. Based on the available evidence, the clinical significance of this variant remains unclear.

Labcorp Genetics (formerly Invitae), Labcorp
Classification: Uncertain significance for Tuberous sclerosis 2. Last evaluated: 2024-04-10. Review status: criteria provided, single submitter. Criteria: Invitae Variant Classification Sherloc (09022015). Collection method: clinical testing. Allele origin: germline.
Comment: This sequence change replaces threonine, which is neutral and polar, with serine, which is neutral and polar, at codon 70 of the TSC2 protein (p.Thr70Ser). This variant is not present in population databases (gnomAD no frequency). This variant has not been reported in the literature in individuals affected with TSC2-related conditions. ClinVar contains an entry for this variant (Variation ID: 663039). Advanced modeling of protein sequence and biophysical properties (such as structural, functional, and spatial information, amino acid conservation, physicochemical variation, residue mobility, and thermodynamic stability) performed at Invitae indicates that this missense variant is not expected to disrupt TSC2 protein function with a negative predictive value of 95%. In summary, the available evidence is currently insufficient to determine the role of this variant in disease. Therefore, it has been classified as a Variant of Uncertain Significance.

NM_000548.5(TSC2):c.209C>G (p.Thr70Ser)

Gene: TSC2 (TSC complex subunit 2; plus strand). Cytogenetic location: 16p13.3.
Variant type: single nucleotide variant.
Coding change: c.209C>G on transcript NM_000548.5 (MANE Select); coding-DNA position 209, C replaced by G.
Protein change: p.Thr70Ser; replaces threonine 70 with serine.
Molecular consequence: missense variant. On other transcripts: 5 prime UTR variant (1).
Genome position (GRCh38, 1-based): chr16:2,050,470, C>G. VCF-style: chr16-2050470-C-G. GRCh37 (hg19) VCF-style: chr16-2100471-C-G.
Other names: c.209C>G, p.Thr70Ser (NM_001370405.1, NM_021055.3, NM_001077183.3 and 4 more transcripts); c.62C>G, p.Thr21Ser (NM_001318829.2); c.-18C>G (NM_001318831.2); c.242C>G, p.Thr81Ser (NM_001318832.2); short protein forms T81S, T70S, T21S.
Identifiers: ClinVar variation 663039 (VCV000663039.9), dbSNP rs1013995962, ClinGen allele CA394303558.